The following is an entry in ClinVar:

NM_006767.4(LZTR1):c.652-2A>G

Gene: LZTR1 (leucine zipper like post translational regulator 1; plus strand). Cytogenetic location: 22q11.21.
Variant type: single nucleotide variant.
Coding change: c.652-2A>G on transcript NM_006767.4 (MANE Select); the canonical splice acceptor site of the intron before coding-DNA position 652, A replaced by G.
Molecular consequence: splice acceptor variant.
Genome position (GRCh38, 1-based): chr22:20,990,384, A>G. VCF-style: chr22-20990384-A-G. GRCh37 (hg19) VCF-style: chr22-21344673-A-G.
Identifiers: ClinVar variation 2737485 (VCV002737485.4), dbSNP rs746294125, ClinGen allele CA10118581.

ClinVar aggregate classification (germline): Likely pathogenic (1 of 4 stars; one submission).

Allele frequency attached by ClinVar (database versions not stated): ExAC 0.00001.

Submissions (2):

Labcorp Genetics (formerly Invitae), Labcorp
Classification: Likely pathogenic. Last evaluated: 2023-04-17. Review status: criteria provided, single submitter. Criteria: Invitae Variant Classification Sherloc (09022015). Collection method: clinical testing. Allele origin: germline.
Comment: In summary, the currently available evidence indicates that the variant is pathogenic, but additional data are needed to prove that conclusively. Therefore, this variant has been classified as Likely Pathogenic. Algorithms developed to predict the effect of sequence changes on RNA splicing suggest that this variant may disrupt the consensus splice site. This variant has not been reported in the literature in individuals affected with LZTR1-related conditions. This variant is not present in population databases (gnomAD no frequency). This sequence change affects an acceptor splice site in intron 7 of the LZTR1 gene. It is expected to disrupt RNA splicing. Variants that disrupt the donor or acceptor splice site typically lead to a loss of protein function (PMID: 16199547), and loss-of-function variants in LZTR1 are known to be pathogenic (PMID: 24362817, 25335493, 25480913, 25795793, 29469822, 30368668, 30442762, 30442766, 30481304, 30859559).

Dr. Peter K. Rogan Lab, Western University
No classification provided (evidence only). Condition: Malignant tumor of urinary bladder. Review status: no classification provided. Collection method: in vitro. Allele origin: not applicable. Functional consequence: retained intron. Not counted in ClinVar's aggregate classification.

Literature cited by the submitters: PubMed 16199547 (cited by Labcorp Genetics (formerly Invitae), Labcorp); PubMed 24362817 (cited by Labcorp Genetics (formerly Invitae), Labcorp); PubMed 25335493 (cited by Labcorp Genetics (formerly Invitae), Labcorp); PubMed 25480913 (cited by Labcorp Genetics (formerly Invitae), Labcorp); PubMed 25795793 (cited by Labcorp Genetics (formerly Invitae), Labcorp); PubMed 29469822 (cited by Labcorp Genetics (formerly Invitae), Labcorp); PubMed 30368668 (cited by Labcorp Genetics (formerly Invitae), Labcorp); PubMed 30442762 (cited by Labcorp Genetics (formerly Invitae), Labcorp); PubMed 30442766 (cited by Labcorp Genetics (formerly Invitae), Labcorp); PubMed 30481304 (cited by Labcorp Genetics (formerly Invitae), Labcorp); PubMed 30859559 (cited by Labcorp Genetics (formerly Invitae), Labcorp).